The following is an entry in ClinVar:

ClinVar aggregate classification (germline): Uncertain significance (1 of 4 stars; one submission).

Conditions:
Gastrointestinal stromal tumor. Also called: Gastrointestinal stromal tumor, somatic; Gastrointestinal stroma tumor. Identifiers: Orphanet 44890, MedGen C0238198, MeSH D046152, MONDO:0011719, OMIM 606764, HP:0100723.

Submission:

Labcorp Genetics (formerly Invitae), Labcorp
Classification: Uncertain significance for Gastrointestinal stromal tumor. Last evaluated: 2020-07-15. Review status: criteria provided, single submitter. Criteria: Invitae Variant Classification Sherloc (09022015). Collection method: clinical testing. Allele origin: germline.
Comment: In summary, the available evidence is currently insufficient to determine the role of this variant in disease. Therefore, it has been classified as a Variant of Uncertain Significance. Algorithms developed to predict the effect of missense changes on protein structure and function are either unavailable or do not agree on the potential impact of this missense change (SIFT: "Deleterious"; PolyPhen-2: "Probably Damaging"; Align-GVGD: "Class C15"). This variant has not been reported in the literature in individuals with KIT-related conditions. This variant is not present in population databases (ExAC no frequency). This sequence change replaces threonine with isoleucine at codon 916 of the KIT protein (p.Thr916Ile). The threonine residue is highly conserved and there is a moderate physicochemical difference between threonine and isoleucine.

NM_000222.3(KIT):c.2747C>T (p.Thr916Ile)

Gene: KIT (KIT proto-oncogene, receptor tyrosine kinase; plus strand). Cytogenetic location: 4q12.
Variant type: single nucleotide variant.
Coding change: c.2747C>T on transcript NM_000222.3 (MANE Select); coding-DNA position 2747, C replaced by T.
Protein change: p.Thr916Ile; replaces threonine 916 with isoleucine.
Molecular consequence: missense variant.
Genome position (GRCh38, 1-based): chr4:54,737,225, C>T. VCF-style: chr4-54737225-C-T. GRCh37 (hg19) VCF-style: chr4-55603391-C-T.
Other names: c.2735C>T, p.Thr912Ile (NM_001093772.2, NM_001385292.1); c.2750C>T, p.Thr917Ile (NM_001385284.1); c.2744C>T, p.Thr915Ile (NM_001385285.1); c.2732C>T, p.Thr911Ile (NM_001385286.1); c.2738C>T, p.Thr913Ile (NM_001385288.1); c.2747C>T, p.Thr916Ile (NM_001385290.1); short protein forms T911I, T912I, T913I, T915I, T916I, T917I.
Identifiers: ClinVar variation 1056950 (VCV001056950.9), dbSNP rs2109813935, ClinGen allele CA356914390.